The following is an entry in ClinVar:

ClinVar aggregate classification (germline): Uncertain significance (1 of 4 stars; one submission).

Conditions:
Peroxisome biogenesis disorder, complementation group 7 (CG7). Also called: Peroxisome biogenesis disorder, complementation group B. Identifiers: MedGen C1864399.

gnomAD v4.1: 1 of 1,608,506 alleles (0.000062%); highest among the groups gnomAD compares: Non-Finnish European, 0.000085%; no homozygotes.

Submission:

Labcorp Genetics (formerly Invitae), Labcorp
Classification: Uncertain significance for Peroxisome biogenesis disorder, complementation group 7. Last evaluated: 2022-05-12. Review status: criteria provided, single submitter. Criteria: Invitae Variant Classification Sherloc (09022015). Collection method: clinical testing. Allele origin: germline.
Comment: This sequence change falls in intron 4 of the PEX10 gene. It does not directly change the encoded amino acid sequence of the PEX10 protein. It affects a nucleotide within the consensus splice site. This variant is not present in population databases (gnomAD no frequency). This variant has not been reported in the literature in individuals affected with PEX10-related conditions. Variants that disrupt the consensus splice site are a relatively common cause of aberrant splicing (PMID: 17576681, 9536098). Algorithms developed to predict the effect of sequence changes on RNA splicing suggest that this variant is not likely to affect RNA splicing. In summary, the available evidence is currently insufficient to determine the role of this variant in disease. Therefore, it has been classified as a Variant of Uncertain Significance.

Literature cited by the submitters: PubMed 17576681; PubMed 9536098.

NM_002617.4(PEX10):c.776+4C>G

Gene: PEX10 (peroxisomal biogenesis factor 10; minus strand). Cytogenetic location: 1p36.32.
Variant type: single nucleotide variant.
Coding change: c.776+4C>G on transcript NM_002617.4 (MANE Select); 4 bases into the intron after coding-DNA position 776, C replaced by G.
Molecular consequence: intron variant.
Genome position (GRCh38, 1-based): chr1:2,406,716, G>C on the plus strand (C>G on the coding strand, the complement: PEX10 is on the minus strand). VCF-style: chr1-2406716-G-C. GRCh37 (hg19) VCF-style: chr1-2338155-G-C.
Other names: c.344+4C>G (NM_001374427.1); c.401+4C>G (NM_001374426.1); c.833+4C>G (NM_001374425.1); c.836+4C>G (NM_153818.2).
Identifiers: ClinVar variation 2128463 (VCV002128463.1), dbSNP rs374719922, ClinGen allele CA2580062527.
Genomic context (GRCh38, chr1:2,406,716, plus strand): 5'-CCTTACAGGTCCTTGTGAAGTGCCCAGGACACCCCCAGCCCCCATGTGTGGCCCCCGCAC[G>C]CACCTGCGGTGAGACAGGCCGCGGTGCAGCCTCCACTCCTTCCTGGCTCGCTGCCGCTGC-3'